The following is an entry in ClinVar:

NM_000069.3(CACNA1S):c.4543+2T>C

Gene: CACNA1S (calcium voltage-gated channel subunit alpha1 S; minus strand). Cytogenetic location: 1q32.1.
Variant type: single nucleotide variant.
Coding change: c.4543+2T>C on transcript NM_000069.3 (MANE Select); the canonical splice donor site of the intron after coding-DNA position 4543, T replaced by C.
Molecular consequence: splice donor variant.
Genome position (GRCh38, 1-based): chr1:201,047,523, A>G on the plus strand (T>C on the coding strand, the complement: CACNA1S is on the minus strand). VCF-style: chr1-201047523-A-G. GRCh37 (hg19) VCF-style: chr1-201016651-A-G.
Identifiers: ClinVar variation 806311 (VCV000806311.47), dbSNP rs1572023336, ClinGen allele CA344142849.
Genomic context (GRCh38, chr1:201,047,523, plus strand): 5'-GAAGCTCCCCACTCCCATTCCTTGGCTGCTTCTGGACTCTGGTCCCCCAAAGTAGCACCT[A>G]CCTCCTATTGGAGGGATGACCTGGTCCAAGAGCTTCATGCTGGTTCTCTTCCAGATCTTC-3'

ClinVar aggregate classification (germline): Conflicting classifications of pathogenicity. Review status: criteria provided, conflicting classifications (1 of 4 stars). 5 submissions from 4 submitters: Likely pathogenic (4); Uncertain significance (1). Last evaluated 2025-07-03.

Conditions:
Hypokalemic periodic paralysis, type 1. Also called: Hypokalemic Periodic Paralysis Type 1 (AD); HypoPP. Identifiers: Orphanet 681, MedGen C3714580, MONDO:0042979, OMIM 170400.
Malignant hyperthermia, susceptibility to, 5 (MHS5). Also called: CACNA1S-Related Malignant Hyperthermia Susceptibility. Identifiers: Orphanet 423, MedGen C1866077, MONDO:0011163, OMIM 601887.

Allele frequency attached by ClinVar (database versions not stated): gnomAD exomes below 0.00001.
gnomAD v4.1: 2 of 1,606,892 alleles (0.00012%); highest among the groups gnomAD compares: Non-Finnish European, 0.00017%; no homozygotes.

Submissions (5):

Color Diagnostics, LLC DBA Color Health
Classification: Uncertain significance for Malignant hyperthermia, susceptibility to, 5. Last evaluated: 2025-07-03. Review status: criteria provided, single submitter. Criteria: ACMG Guidelines, 2015. Collection method: clinical testing. Allele origin: germline.
Comment: This variant causes a T>C nucleotide substitution at the +2 position of intron 37 of the CACNA1S gene. Splice site prediction tools suggest that this variant may have a significant impact on RNA splicing. To our knowledge, RNA studies have not been reported for this variant. This variant has not been identified in the general population by the Genome Aggregation Database (gnomAD). This variant has not been reported in individuals affected with autosomal dominant malignant hyperthermia in the literature, although it is associated with other phenotype(s) (ClinVar Variation ID: 806311). Due to insufficient evidence, this variant is classified as a Variant of Uncertain Significance.

Genome-Nilou Lab
Classification: Likely pathogenic for Malignant hyperthermia, susceptibility to, 5. Last evaluated: 2023-04-11. Review status: criteria provided, single submitter. Criteria: ACMG Guidelines, 2015. Collection method: clinical testing. Allele origin: germline. Affected: no.

Genome-Nilou Lab
Classification: Likely pathogenic for Hypokalemic periodic paralysis, type 1. Last evaluated: 2023-04-11. Review status: criteria provided, single submitter. Criteria: ACMG Guidelines, 2015. Collection method: clinical testing. Allele origin: germline. Affected: no.

Labcorp Genetics (formerly Invitae), Labcorp
Classification: Likely pathogenic for Hypokalemic periodic paralysis, type 1; Malignant hyperthermia, susceptibility to, 5. Last evaluated: 2020-08-19. Review status: criteria provided, single submitter. Criteria: Invitae Variant Classification Sherloc (09022015). Collection method: clinical testing. Allele origin: germline.
Comment: This sequence change affects a donor splice site in intron 37 of the CACNA1S gene. It is expected to disrupt RNA splicing and likely results in an absent or disrupted protein product. This variant is not present in population databases (ExAC no frequency). This variant has not been reported in the literature in individuals with CACNA1S-related conditions. ClinVar contains an entry for this variant (Variation ID: 806311). Algorithms developed to predict the effect of sequence changes on RNA splicing suggest that this variant may disrupt the consensus splice site, but this prediction has not been confirmed by published transcriptional studies. Donor and acceptor splice site variants typically lead to a loss of protein function (PMID: 16199547), and loss-of-function variants in CACNA1S are known to be pathogenic (PMID: 26247046, 28012042). In summary, the currently available evidence indicates that the variant is pathogenic, but additional data are needed to prove that conclusively. Therefore, this variant has been classified as Likely Pathogenic.

CeGaT Center for Human Genetics Tuebingen
Classification: Likely pathogenic. Last evaluated: 2019-04-01. Review status: criteria provided, single submitter. Criteria: CeGaT Center For Human Genetics Tuebingen Variant Classification Criteria Version 2. Collection method: clinical testing. Allele origin: germline. Affected: yes. Observed: 3 variant alleles.

Literature cited by the submitters: PubMed 16199547 (cited by Labcorp Genetics (formerly Invitae), Labcorp); PubMed 26247046 (cited by Labcorp Genetics (formerly Invitae), Labcorp); PubMed 28012042 (cited by Labcorp Genetics (formerly Invitae), Labcorp).